The following is an entry in ClinVar:

ClinVar aggregate classification (germline): Benign/Likely benign. Review status: criteria provided, multiple submitters, no conflicts (2 of 4 stars). 12 submissions from 12 submitters: Benign (8); Likely benign (1). 3 of the submissions do not count toward it. Last evaluated 2026-02-04.

Conditions:
Cardiomyopathy, familial hypertrophic 27. Identifiers: MedGen C4748014, MONDO:0054838, OMIM 618052.
ALPK3-related disorder. Also called: ALPK3-related condition.
Cardiovascular phenotype. Identifiers: MedGen CN230736.

Allele frequency attached by ClinVar (database versions not stated): 1000 Genomes Project 0.00619; 1000 Genomes Project 30x 0.00640; TOPMed 0.01203; gnomAD 0.01236 and 0.01276; gnomAD exomes 0.01269; ExAC 0.01276; ESP Exome Variant Server 0.01347.
gnomAD v4.1: 26,165 of 1,584,150 alleles (1.7%); highest among the groups gnomAD compares: Non-Finnish European, 2%; 252 homozygotes.

Submissions (12):

Labcorp Genetics (formerly Invitae), Labcorp
Classification: Benign. Last evaluated: 2026-02-04. Review status: criteria provided, single submitter. Criteria: Invitae Variant Classification Sherloc (09022015). Collection method: clinical testing. Allele origin: germline.

ARUP Laboratories, Molecular Genetics and Genomics, ARUP Laboratories
Classification: Benign for Cardiomyopathy, familial hypertrophic 27. Last evaluated: 2025-06-06. Review status: criteria provided, single submitter. Criteria: ARUP Molecular Germline Variant Investigation Process 2024. Collection method: clinical testing. Allele origin: germline.

Molecular Diagnostic Laboratory for Inherited Cardiovascular Disease, Montreal Heart Institute
Classification: Benign. Last evaluated: 2025-04-09. Review status: criteria provided, single submitter. Criteria: ACMG Guidelines, 2015. Collection method: clinical testing. Allele origin: germline. Affected: no.

Blueprint Genetics
Classification: Likely benign. Last evaluated: 2024-11-27. Review status: criteria provided, single submitter. Criteria: ACMG Guidelines, 2015. Collection method: clinical testing. Allele origin: germline.

Women's Health and Genetics/Laboratory Corporation of America, LabCorp
Classification: Benign. Last evaluated: 2023-07-29. Review status: criteria provided, single submitter. Criteria: LabCorp Variant Classification Summary - May 2015. Collection method: clinical testing. Allele origin: germline.

Mayo Clinic Laboratories, Mayo Clinic
Classification: Benign. Last evaluated: 2023-01-26. Review status: criteria provided, single submitter. Criteria: ACMG Guidelines, 2015. Collection method: clinical testing. Allele origin: germline. Observed: 33 variant alleles.
Comment: BS1, BS2, BP4, BP7

Ambry Genetics
Classification: Benign for Cardiovascular phenotype. Last evaluated: 2018-12-31. Review status: criteria provided, single submitter. Criteria: Ambry Variant Classification Scheme 2023. Collection method: clinical testing. Allele origin: germline.

GeneDx
Classification: Benign. Last evaluated: 2016-11-18. Review status: criteria provided, single submitter. Criteria: GeneDx Variant Classification (06012015). Collection method: clinical testing. Allele origin: germline. Affected: yes.
Comment: This variant is considered likely benign or benign based on one or more of the following criteria: it is a conservative change, it occurs at a poorly conserved position in the protein, it is predicted to be benign by multiple in silico algorithms, and/or has population frequency not consistent with disease.

Breakthrough Genomics
Classification: Benign. Review status: criteria provided, single submitter. Criteria: ACMG Guidelines, 2015. Collection method: not provided. Allele origin: germline. Inheritance: Autosomal recessive inheritance. Affected: yes.

PreventionGenetics, part of Exact Sciences
Classification: Benign for ALPK3-related condition. Last evaluated: 2019-02-28. Review status: no assertion criteria provided. Collection method: clinical testing. Allele origin: germline. Not counted in ClinVar's aggregate classification.
Comment: This variant is classified as benign based on ACMG/AMP sequence variant interpretation guidelines (Richards et al. 2015 PMID: 25741868, with internal and published modifications).

Clinical Genetics DNA and cytogenetics Diagnostics Lab, Erasmus MC, Erasmus Medical Center
Classification: Benign. Review status: no assertion criteria provided. Collection method: clinical testing. Allele origin: germline. Affected: yes. Study: VKGL Data-share Consensus. Not counted in ClinVar's aggregate classification.

Clinical Genetics, Academic Medical Center
Classification: Benign. Review status: no assertion criteria provided. Collection method: clinical testing. Allele origin: germline. Affected: yes. Study: VKGL Data-share Consensus. Not counted in ClinVar's aggregate classification.

NM_020778.5(ALPK3):c.2811C>G (p.Ala937=)

Gene: ALPK3 (alpha kinase 3; plus strand). Cytogenetic location: 15q25.3.
Variant type: single nucleotide variant.
Coding change: c.2811C>G on transcript NM_020778.5 (MANE Select); coding-DNA position 2811, C replaced by G.
Protein change: p.Ala937=; no amino-acid change (alanine 937 retained).
Molecular consequence: synonymous variant.
Genome position (GRCh38, 1-based): chr15:84,857,549, C>G. VCF-style: chr15-84857549-C-G. GRCh37 (hg19) VCF-style: chr15-85400780-C-G.
Other names: p.Ala1139=.
Identifiers: ClinVar variation 384678 (VCV000384678.22), dbSNP rs35621845, ClinGen allele CA7709500.
Genomic context (GRCh38, chr15:84,857,549, plus strand): 5'-GACCCCCACTCAGAGTCACCCACCAGAAACCATGGCCACCAGCAGTGAGGGGGCCTGCGC[C>G]CAGGTACCAGATGTGGAGGGGCGGACCCCAGGTCCCCGGAGCTGTGACCCTGGCCTCATA-3'
Protein context (NP_065829.4, residues 927-947): TMATSSEGAC[Ala937=]QVPDVEGRTP